The following is an entry in ClinVar:

NM_000557.5(GDF5):c.206C>G (p.Ala69Gly)

Gene: GDF5 (growth differentiation factor 5; minus strand). Cytogenetic location: 20q11.22.
Variant type: single nucleotide variant.
Coding change: c.206C>G on transcript NM_000557.5 (MANE Select); coding-DNA position 206, C replaced by G.
Protein change: p.Ala69Gly; replaces alanine 69 with glycine.
Molecular consequence: missense variant.
Genome position (GRCh38, 1-based): chr20:35,437,723, G>C on the plus strand (C>G on the coding strand, the complement: GDF5 is on the minus strand). VCF-style: chr20-35437723-G-C. GRCh37 (hg19) VCF-style: chr20-34025503-G-C.
Other names: c.206C>G, p.Ala69Gly (NM_001319138.2); short protein forms A69G.
Identifiers: ClinVar variation 895673 (VCV000895673.4), dbSNP rs542574339, ClinGen allele CA9832401.

ClinVar aggregate classification (germline): Conflicting classifications of pathogenicity. Review status: criteria provided, conflicting classifications (1 of 4 stars). 5 submissions from 1 submitter: Uncertain significance (3); Likely benign (2). Last evaluated 2018-01-12.

Conditions:
Brachydactyly. Also called: Brachydactyly (disease); Brachydactyly syndrome. Identifiers: MedGen C0221357, MONDO:0021004, HP:0001156.
Multiple synostoses syndrome 2 (SYNS2). Identifiers: Orphanet 3237, MedGen C1832708, MONDO:0012394, OMIM 610017.
Acromesomelic dysplasia 2B. Also called: DU PAN SYNDROME. Identifiers: Orphanet 2639, MedGen C1856738, MONDO:0009231, OMIM 228900.
Grebe syndrome. Also called: ACROMESOMELIC DYSPLASIA, GREBE TYPE; GREBE DYSPLASIA; ACROMESOMELIC DYSPLASIA 2A. Identifiers: Orphanet 2098, MedGen C0265260, MONDO:0008703, OMIM 200700.
Acromesomelic dysplasia 2C, Hunter-Thompson type. Also called: Acromesomelic dysplasia, Hunter-Thompson type. Identifiers: Orphanet 968, MedGen C2930970, MONDO:0008717, OMIM 201250.

Allele frequency attached by ClinVar (database versions not stated): gnomAD exomes 0.00002; ExAC 0.00004; 1000 Genomes Project 30x 0.00016; 1000 Genomes Project 0.00020.
gnomAD v4.1: 11 of 1,613,350 alleles (0.00068%); highest among the groups gnomAD compares: South Asian, 0.012%; no homozygotes.

Submissions (5):

Illumina Laboratory Services, Illumina
Classification: Uncertain significance for Grebe syndrome. Last evaluated: 2018-01-12. Review status: criteria provided, single submitter. Criteria: ICSL Variant Classification Criteria 13 December 2019. Collection method: clinical testing. Allele origin: germline.

Illumina Laboratory Services, Illumina
Classification: Uncertain significance for Acromesomelic dysplasia 2C, Hunter-Thompson type. Last evaluated: 2018-01-12. Review status: criteria provided, single submitter. Criteria: ICSL Variant Classification Criteria 13 December 2019. Collection method: clinical testing. Allele origin: germline.

Illumina Laboratory Services, Illumina
Classification: Likely benign for Multiple synostoses syndrome 2. Last evaluated: 2018-01-12. Review status: criteria provided, single submitter. Criteria: ICSL Variant Classification Criteria 13 December 2019. Collection method: clinical testing. Allele origin: germline.
Comment: This variant was observed in the ICSL laboratory as part of a predisposition screen in an ostensibly healthy population. It had not been previously curated by ICSL or reported in the Human Gene Mutation Database (HGMD: prior to June 1st, 2018), and was therefore a candidate for classification through an automated scoring system. Utilizing variant allele frequency, disease prevalence and penetrance estimates, and inheritance mode, an automated score was calculated to assess if this variant is too frequent to cause the disease. Based on the score and internal cut-off values, a variant classified as likely benign is not then subjected to further curation. The score for this variant resulted in a classification of likely benign for this disease.

Illumina Laboratory Services, Illumina
Classification: Likely benign for Brachydactyly. Last evaluated: 2018-01-12. Review status: criteria provided, single submitter. Criteria: ICSL Variant Classification Criteria 13 December 2019. Collection method: clinical testing. Allele origin: germline.
Comment: the same text as in the submission from Illumina Laboratory Services, Illumina above.

Illumina Laboratory Services, Illumina
Classification: Uncertain significance for Fibular hypoplasia and complex brachydactyly. Last evaluated: 2018-01-12. Review status: criteria provided, single submitter. Criteria: ICSL Variant Classification Criteria 13 December 2019. Collection method: clinical testing. Allele origin: germline.